The following is an entry in ClinVar:

ClinVar aggregate classification (germline): Uncertain significance (1 of 4 stars; one submission).

Allele frequency attached by ClinVar (database versions not stated): TOPMed below 0.00001; gnomAD 0.00001; gnomAD exomes 0.00001; ExAC 0.00002; 1000 Genomes Project 0.00020; 1000 Genomes Project 30x 0.00031.
gnomAD v4.1: 15 of 1,549,286 alleles (0.00097%); highest among the groups gnomAD compares: African/African-American, 0.0014%; no homozygotes.

Submission:

Labcorp Genetics (formerly Invitae), Labcorp
Classification: Uncertain significance. Last evaluated: 2024-01-15. Review status: criteria provided, single submitter. Criteria: Invitae Variant Classification Sherloc (09022015). Collection method: clinical testing. Allele origin: germline.
Comment: This sequence change replaces methionine, which is neutral and non-polar, with threonine, which is neutral and polar, at codon 383 of the LIPC protein (p.Met383Thr). This variant is present in population databases (rs202215798, gnomAD 0.03%). This variant has not been reported in the literature in individuals affected with LIPC-related conditions. Advanced modeling of protein sequence and biophysical properties (such as structural, functional, and spatial information, amino acid conservation, physicochemical variation, residue mobility, and thermodynamic stability) performed at Invitae indicates that this missense variant is not expected to disrupt LIPC protein function with a negative predictive value of 80%. In summary, the available evidence is currently insufficient to determine the role of this variant in disease. Therefore, it has been classified as a Variant of Uncertain Significance.

NM_000236.3(LIPC):c.1148T>C (p.Met383Thr)

Gene: LIPC (lipase C, hepatic type; plus strand). Cytogenetic location: 15q21.3.
Variant type: single nucleotide variant.
Coding change: c.1148T>C on transcript NM_000236.3 (MANE Select); coding-DNA position 1148, T replaced by C.
Protein change: p.Met383Thr; replaces methionine 383 with threonine.
Molecular consequence: missense variant.
Genome position (GRCh38, 1-based): chr15:58,560,960, T>C. VCF-style: chr15-58560960-T-C. GRCh37 (hg19) VCF-style: chr15-58853159-T-C.
Other names: short protein forms M383T.
Identifiers: ClinVar variation 2771590 (VCV002771590.3), dbSNP rs202215798, ClinGen allele CA7585126.